The following is an entry in ClinVar:

ClinVar aggregate classification (germline): Uncertain significance. Review status: criteria provided, multiple submitters, no conflicts (2 of 4 stars). 2 submissions from 2 submitters: Uncertain significance (2). Last evaluated 2024-05-06.

Conditions:
Inborn genetic diseases. Identifiers: MedGen C0950123, MeSH D030342.

Allele frequency attached by ClinVar (database versions not stated): ExAC 0.00001.

Submissions (2):

GeneDx
Classification: Uncertain significance. Last evaluated: 2024-05-06. Review status: criteria provided, single submitter. Criteria: GeneDx Variant Classification Process June 2021. Collection method: clinical testing. Allele origin: germline. Affected: yes.
Comment: Not observed at significant frequency in large population cohorts (gnomAD); In silico analysis supports that this missense variant has a deleterious effect on protein structure/function; Has not been previously published as pathogenic or benign to our knowledge

Ambry Genetics
Classification: Uncertain significance for Inborn genetic diseases. Last evaluated: 2023-02-23. Review status: criteria provided, single submitter. Criteria: Ambry Variant Classification Scheme 2023. Collection method: clinical testing. Allele origin: germline.

NM_012200.4(B3GAT3):c.422A>T (p.Lys141Ile)

Gene: B3GAT3 (beta-1,3-glucuronyltransferase 3; minus strand). Cytogenetic location: 11q12.3.
Variant type: single nucleotide variant.
Coding change: c.422A>T on transcript NM_012200.4 (MANE Select); coding-DNA position 422, A replaced by T.
Protein change: p.Lys141Ile; replaces lysine 141 with isoleucine.
Molecular consequence: missense variant. On other transcripts: non-coding transcript variant (1).
Genome position (GRCh38, 1-based): chr11:62,617,183, T>A on the plus strand (A>T on the coding strand, the complement: B3GAT3 is on the minus strand). VCF-style: chr11-62617183-T-A. GRCh37 (hg19) VCF-style: chr11-62384655-T-A.
Other names: c.401A>T, p.Lys134Ile (NM_001288721.2); c.422A>T, p.Lys141Ile (NM_001288722.2, NM_001288723.2); short protein forms K141I, K134I.
Identifiers: ClinVar variation 2488827 (VCV002488827.3), dbSNP rs762858200, ClinGen allele CA6050125.